The following is an entry in ClinVar:

NM_024642.5(GALNT12):c.372-13G>C

Gene: GALNT12 (polypeptide N-acetylgalactosaminyltransferase 12; plus strand). Cytogenetic location: 9q22.33.
Variant type: single nucleotide variant.
Coding change: c.372-13G>C on transcript NM_024642.5 (MANE Select); 13 bases into the intron before coding-DNA position 372, G replaced by C.
Molecular consequence: intron variant.
Genome position (GRCh38, 1-based): chr9:98,823,243, G>C. VCF-style: chr9-98823243-G-C. GRCh37 (hg19) VCF-style: chr9-101585525-G-C.
Identifiers: ClinVar variation 4876198 (VCV004876198.1).

ClinVar aggregate classification (germline): Likely benign (1 of 4 stars; one submission).

Conditions:
Colorectal cancer, susceptibility to, 1. Also called: COLORECTAL ADENOMA AND CANCER, SUSCEPTIBILITY TO; COLORECTAL CANCER, SUSCEPTIBILITY TO, ON CHROMOSOME 9. Identifiers: MedGen C1837315, MONDO:0012132, OMIM 608812.

gnomAD v4.1: 16 of 1,613,478 alleles (0.00099%); highest among the groups gnomAD compares: South Asian, 0.016%; no homozygotes.

Submission:

Myriad Genetics, Inc.
Classification: Likely benign for Colorectal cancer, susceptibility to, 1. Last evaluated: 2026-04-21. Review status: criteria provided, single submitter. Criteria: Myriad Autosomal Dominant, Autosomal Recessive and X-Linked Classification Criteria (2023). Collection method: clinical testing. Allele origin: unknown.
Comment: This variant is considered likely benign. This variant is intronic and is not expected to impact mRNA splicing.